The following is an entry in ClinVar:

NM_004453.4(ETFDH):c.1082A>G (p.Tyr361Cys)

Gene: ETFDH (electron transfer flavoprotein dehydrogenase; plus strand). Cytogenetic location: 4q32.1.
Variant type: single nucleotide variant.
Coding change: c.1082A>G on transcript NM_004453.4 (MANE Select); coding-DNA position 1082, A replaced by G.
Protein change: p.Tyr361Cys; replaces tyrosine 361 with cysteine.
Molecular consequence: missense variant.
Genome position (GRCh38, 1-based): chr4:158,699,096, A>G. VCF-style: chr4-158699096-A-G. GRCh37 (hg19) VCF-style: chr4-159620248-A-G.
Other names: c.941A>G, p.Tyr314Cys (NM_001281737.2); c.899A>G, p.Tyr300Cys (NM_001281738.1); c.1082A>G (NM_004453.3); short protein forms Y314C, Y300C, Y361C.
Identifiers: ClinVar variation 1494694 (VCV001494694.8), dbSNP rs2150312299, ClinGen allele CA358562315.

ClinVar aggregate classification (germline): Pathogenic/Likely pathogenic. Review status: criteria provided, multiple submitters, no conflicts (2 of 4 stars). 3 submissions from 3 submitters: Pathogenic (1); Likely pathogenic (2). Last evaluated 2025-07-25.

Conditions:
Multiple acyl-CoA dehydrogenase deficiency (MADD). Also called: Glutaric acidemia type II; GA 2; Glutaric aciduria, type 2; ETHYLMALONIC-ADIPICACIDURIA; GA II; Glutaric Acidemia type 2. Identifiers: Orphanet 26791, MedGen C0268596, MONDO:0009282, OMIM 231680.
Glutaric acidemia type 2C.

gnomAD v4.1: 1 of 1,614,054 alleles (0.000062%); highest among the groups gnomAD compares: South Asian, 0.0011%; no homozygotes.

Submissions (3):

Natera, Inc.
Classification: Likely pathogenic for Glutaric acidemia type 2C. Last evaluated: 2025-07-25. Review status: criteria provided, single submitter. Criteria: Natera Variant Classification Schema (03/2026). Collection method: clinical testing. Allele origin: germline.
Comment: The c.1082A>G variant in ETFDH is a missense variant predicted to cause substitution of tyrosine to cysteine at amino acid 361. This variant is rare in the general population with a frequency below the threshold expected for the associated phenotype(s). This variant has been observed in one or more individuals affected with the associated recessive disease, as either homozygous or compound heterozygous with a second variant (PMID: 24190796). This variant has been identified in one or more affected individuals with a phenotype highly consistent with the associated gene (PMID: 24190796). Computational prediction algorithms indicate this variant is likely to affect gene or protein function. Given the available evidence, this variant is classified as Likely Pathogenic.

Labcorp Genetics (formerly Invitae), Labcorp
Classification: Likely pathogenic for Multiple acyl-CoA dehydrogenase deficiency. Last evaluated: 2022-08-17. Review status: criteria provided, single submitter. Criteria: Invitae Variant Classification Sherloc (09022015). Collection method: clinical testing. Allele origin: germline.
Comment: This sequence change replaces tyrosine, which is neutral and polar, with cysteine, which is neutral and slightly polar, at codon 361 of the ETFDH protein (p.Tyr361Cys). Advanced modeling of protein sequence and biophysical properties (such as structural, functional, and spatial information, amino acid conservation, physicochemical variation, residue mobility, and thermodynamic stability) performed at Invitae indicates that this missense variant is expected to disrupt ETFDH protein function. This missense change has been observed in individual(s) with glutaric aciduria type II (PMID: 24190796). In at least one individual the data is consistent with being in trans (on the opposite chromosome) from a pathogenic variant. ClinVar contains an entry for this variant (Variation ID: 1494694). In summary, the currently available evidence indicates that the variant is pathogenic, but additional data are needed to prove that conclusively. Therefore, this variant has been classified as Likely Pathogenic. This variant is not present in population databases (gnomAD no frequency).

Mendelics
Classification: Pathogenic for Multiple acyl-CoA dehydrogenase deficiency. Last evaluated: 2022-05-04. Review status: criteria provided, single submitter. Criteria: Mendelics Assertion Criteria 2019. Collection method: clinical testing. Allele origin: germline.

Literature cited by the submitters: PubMed 24190796 (cited by Natera, Inc. and Labcorp Genetics (formerly Invitae), Labcorp).